The following is an entry in ClinVar:

NM_130837.3(OPA1):c.1036-6G>A

Gene: OPA1 (OPA1 mitochondrial dynamin like GTPase; plus strand). Cytogenetic location: 3q29.
Variant type: single nucleotide variant.
Coding change: c.1036-6G>A on transcript NM_130837.3 (MANE Select); 6 bases into the intron before coding-DNA position 1036, G replaced by A.
Molecular consequence: intron variant.
Genome position (GRCh38, 1-based): chr3:193,637,946, G>A. VCF-style: chr3-193637946-G-A. GRCh37 (hg19) VCF-style: chr3-193355735-G-A.
Other names: c.499-6G>A (NM_001354664.2); c.502-6G>A (NM_001354663.2); c.925-6G>A (NM_130834.3); c.982-6G>A (NM_130836.3); c.871-6G>A (NM_015560.3); c.928-6G>A (NM_130835.3); c.817-6G>A (NM_130832.3); c.874-6G>A (NM_130833.3); and 1 more.
Identifiers: ClinVar variation 447905 (VCV000447905.10), dbSNP rs1553876585, ClinGen allele CA658657363.
Genomic context (GRCh38, chr3:193,637,946, plus strand): 5'-AAATAGGTTTTAATTTTAATTTGGTATCAGAAAAATATGAATAAGTGTTCTTTGTTTTGT[G>A]GGAAGGTTGTTGTGGTTGGAGATCAGAGTGCTGGAAAGACTAGTGTGTTGGAAATGATTG-3'

ClinVar aggregate classification (germline): Uncertain significance. Review status: criteria provided, multiple submitters, no conflicts (2 of 4 stars). 3 submissions from 3 submitters: Uncertain significance (3). Last evaluated 2025-10-18.

Submissions (3):

Labcorp Genetics (formerly Invitae), Labcorp
Classification: Uncertain significance. Last evaluated: 2025-10-18. Review status: criteria provided, single submitter. Criteria: Invitae Variant Classification Sherloc (09022015). Collection method: clinical testing. Allele origin: germline.
Comment: This sequence change falls in intron 8 of the OPA1 gene. It does not directly change the encoded amino acid sequence of the OPA1 protein. This variant is not present in population databases (gnomAD no frequency). This variant has not been reported in the literature in individuals affected with OPA1-related conditions. ClinVar contains an entry for this variant (Variation ID: 447905). Algorithms developed to predict the effect of sequence changes on RNA splicing suggest that this variant may disrupt the consensus splice site. In summary, the available evidence is currently insufficient to determine the role of this variant in disease. Therefore, it has been classified as a Variant of Uncertain Significance.

GeneDx
Classification: Uncertain significance. Last evaluated: 2025-03-07. Review status: criteria provided, single submitter. Criteria: GeneDx Variant Classification Process June 2021. Collection method: clinical testing. Allele origin: germline. Affected: yes.
Comment: Has not been previously published as pathogenic or benign to our knowledge; Not observed at significant frequency in large population cohorts (gnomAD); In silico analysis supports a deleterious effect on splicing

Athena Diagnostics
Classification: Uncertain significance. Last evaluated: 2017-01-13. Review status: criteria provided, single submitter. Criteria: Athena Diagnostics Criteria. Collection method: clinical testing. Allele origin: germline.